The following is an entry in ClinVar:

NM_001035.3(RYR2):c.615C>T (p.Ala205=)

Gene: RYR2 (ryanodine receptor 2; plus strand). Cytogenetic location: 1q43.
Variant type: single nucleotide variant.
Coding change: c.615C>T on transcript NM_001035.3 (MANE Select); coding-DNA position 615, C replaced by T.
Protein change: p.Ala205=; no amino-acid change (alanine 205 retained).
Molecular consequence: synonymous variant.
Genome position (GRCh38, 1-based): chr1:237,387,319, C>T. VCF-style: chr1-237387319-C-T. GRCh37 (hg19) VCF-style: chr1-237550619-C-T.
Other names: c.615C>T, p.Ala205= (LRG_402t1).
Identifiers: ClinVar variation 412817 (VCV000412817.36), dbSNP rs112680790, ClinGen allele CA087057.

ClinVar aggregate classification (germline): Conflicting classifications of pathogenicity. Review status: criteria provided, conflicting classifications (1 of 4 stars). 13 submissions from 13 submitters: Uncertain significance (1); Benign (6); Likely benign (5). 1 of the submissions does not count toward it. Last evaluated 2026-01-26.

Conditions:
RYR2-related disorder. Also called: RYR2-related condition.
Cardiovascular phenotype. Identifiers: MedGen CN230736.
Catecholaminergic polymorphic ventricular tachycardia (CVPT). Also called: Catecholamine-induced polymorphic ventricular tachycardia. Identifiers: Orphanet 3286, MedGen C5574922, MONDO:0017990.
Cardiomyopathy (CMYO). Also called: Cardiomyopathies. Identifiers: Orphanet 167848, MedGen C0878544, MONDO:0004994, HP:0001638. Inheritance: Various modes of inheritance.
Catecholaminergic polymorphic ventricular tachycardia 1. Also called: VENTRICULAR TACHYCARDIA, CATECHOLAMINERGIC POLYMORPHIC, 1, WITH OR WITHOUT ATRIAL DYSFUNCTION AND/OR DILATED CARDIOMYOPATHY; VENTRICULAR TACHYCARDIA, STRESS-INDUCED POLYMORPHIC 1; RYR2-Related Catecholaminergic Polymorphic Ventricular Tachycardia. Identifiers: Orphanet 3286, MedGen C1631597, MONDO:0011484, OMIM 604772.

Allele frequency attached by ClinVar (database versions not stated): gnomAD exomes 0.00006 and 0.00016; ExAC 0.00022; 1000 Genomes Project 30x 0.00047; 1000 Genomes Project 0.00060; TOPMed 0.00062; gnomAD 0.00063 and 0.00065; ESP Exome Variant Server 0.00065.
gnomAD v4.1: 192 of 1,613,982 alleles (0.012%); highest among the groups gnomAD compares: African/African-American, 0.2%; no homozygotes.

Submissions (13):

Labcorp Genetics (formerly Invitae), Labcorp
Classification: Benign for Catecholaminergic polymorphic ventricular tachycardia 1. Last evaluated: 2026-01-26. Review status: criteria provided, single submitter. Criteria: Invitae Variant Classification Sherloc (09022015). Collection method: clinical testing. Allele origin: germline.

Molecular Diagnostic Laboratory for Inherited Cardiovascular Disease, Montreal Heart Institute
Classification: Likely benign. Last evaluated: 2025-07-24. Review status: criteria provided, single submitter. Criteria: ACMG Guidelines, 2015. Collection method: clinical testing. Allele origin: germline. Affected: no.
Comment: BS1;BP7

CeGaT Center for Human Genetics Tuebingen
Classification: Likely benign. Last evaluated: 2025-04-01. Review status: criteria provided, single submitter. Criteria: CeGaT Center For Human Genetics Tuebingen Variant Classification Criteria Version 2. Collection method: clinical testing. Allele origin: germline. Affected: yes. Observed: 1 variant allele.
Comment: RYR2: BP4, BP7

Blueprint Genetics
Classification: Likely benign. Last evaluated: 2024-06-27. Review status: criteria provided, single submitter. Criteria: ACMG Guidelines, 2015. Collection method: clinical testing. Allele origin: germline.

All of Us Research Program, National Institutes of Health
Classification: Benign for Catecholaminergic polymorphic ventricular tachycardia. Last evaluated: 2024-02-05. Review status: criteria provided, single submitter. Criteria: ACMG Guidelines, 2015. Collection method: clinical testing. Allele origin: germline. Inheritance: Autosomal dominant inheritance. Observed: 25 variant alleles, 25 heterozygotes.
Comment: This study involves interpretation of variants in research participants for the purpose of population health screening. Participant phenotype was not available at the time of variant classification. Additional details can be found in publication PMID: 35346344, PMCID: PMC8962531

ARUP Laboratories, Molecular Genetics and Genomics, ARUP Laboratories
Classification: Benign. Last evaluated: 2023-11-06. Review status: criteria provided, single submitter. Criteria: ARUP Molecular Germline Variant Investigation Process 2024. Collection method: clinical testing. Allele origin: germline.

Women's Health and Genetics/Laboratory Corporation of America, LabCorp
Classification: Benign. Last evaluated: 2023-08-19. Review status: criteria provided, single submitter. Criteria: LabCorp Variant Classification Summary - May 2015. Collection method: clinical testing. Allele origin: germline.

Ambry Genetics
Classification: Likely benign for Cardiovascular phenotype. Last evaluated: 2019-02-11. Review status: criteria provided, single submitter. Criteria: Ambry Variant Classification Scheme 2023. Collection method: clinical testing. Allele origin: germline.

Color Diagnostics, LLC DBA Color Health
Classification: Benign for Cardiomyopathy. Last evaluated: 2018-11-27. Review status: criteria provided, single submitter. Criteria: ACMG Guidelines, 2015. Collection method: clinical testing. Allele origin: germline.

Eurofins Ntd Llc (ga)
Classification: Uncertain significance. Last evaluated: 2017-01-24. Review status: criteria provided, single submitter. Criteria: EGL Classification Definitions 2015. Collection method: clinical testing. Allele origin: germline. Observed: 1 variant allele, 1 heterozygote.

CHEO Genetics Diagnostic Laboratory, Children's Hospital of Eastern Ontario
Classification: Likely benign for Cardiomyopathy. Last evaluated: 2016-01-25. Review status: criteria provided, single submitter. Criteria: ACMG Guidelines, 2015. Collection method: clinical testing. Allele origin: germline. Study: Canadian Open Genetics Repository.

GeneDx
Classification: Benign. Last evaluated: 2015-03-03. Review status: criteria provided, single submitter. Criteria: GeneDx Variant Classification Process June 2021. Collection method: clinical testing. Allele origin: germline. Affected: yes.

PreventionGenetics, part of Exact Sciences
Classification: Likely benign for RYR2-related condition. Last evaluated: 2020-09-24. Review status: no assertion criteria provided. Collection method: clinical testing. Allele origin: germline. Not counted in ClinVar's aggregate classification.
Comment: This variant is classified as likely benign based on ACMG/AMP sequence variant interpretation guidelines (Richards et al. 2015 PMID: 25741868, with internal and published modifications).